The following is an entry in ClinVar:

ClinVar aggregate classification (germline): Uncertain significance (1 of 4 stars; one submission).

Conditions:
Leigh syndrome (NULS). Also called: Leigh's necrotizing encephalopathy; Leigh's disease; Leigh Syndrome (mtDNA deletion); Leigh Disease; Subacute necrotizing encephalopathy; Necrotizing encephalopathy infantile subacute of Leigh. Identifiers: Orphanet 506, MedGen C2931891, MONDO:0009723, OMIM 256000.

Submission:

Wong Mito Lab, Molecular and Human Genetics, Baylor College of Medicine
Classification: Uncertain significance for Leigh syndrome. Last evaluated: 2019-10-17. Review status: criteria provided, single submitter. Criteria: Modified ACMG Guidelines (Unpublished). Collection method: clinical testing. Allele origin: germline.
Comment: The NC_012920.1:m.4690T>C (YP_003024027.1:p.Ile74Thr) variant in MTND2 gene is interpretated to be a Uncertain Significance variant based on the modified ACMG guidelines (unpublished). This variant meets the following evidence codes: PP6, PP7

NC_012920.1(MT-ND2):m.4690T>C

Gene: MT-ND2 (mitochondrially encoded NADH dehydrogenase 2; plus strand).
Variant type: single nucleotide variant.
Genome position: chrM-4690-T-C.
Identifiers: ClinVar variation 692480 (VCV000692480.1), dbSNP rs1603219557, ClinGen allele CA414775330.